The following is an entry in ClinVar:

ClinVar aggregate classification (germline): Uncertain significance. Review status: criteria provided, multiple submitters, no conflicts (2 of 4 stars). 2 submissions from 2 submitters: Uncertain significance (2). Last evaluated 2025-10-05.

Submissions (2):

Ambry Genetics
Classification: Uncertain significance. Last evaluated: 2025-10-05. Review status: criteria provided, single submitter. Criteria: Ambry Variant Classification Scheme 2023. Collection method: clinical testing. Allele origin: germline.
Comment: The p.E57K variant (also known as c.169G>A), located in coding exon 2 of the A2ML1 gene, results from a G to A substitution at nucleotide position 169. The glutamic acid at codon 57 is replaced by lysine, an amino acid with similar properties. This amino acid position is conserved. In addition, this alteration is predicted to be tolerated by in silico analysis. Based on the available evidence, the clinical significance of this variant remains unclear.

Labcorp Genetics (formerly Invitae), Labcorp
Classification: Uncertain significance. Last evaluated: 2022-07-31. Review status: criteria provided, single submitter. Criteria: Invitae Variant Classification Sherloc (09022015). Collection method: clinical testing. Allele origin: germline.
Comment: In summary, the available evidence is currently insufficient to determine the role of this variant in disease. Therefore, it has been classified as a Variant of Uncertain Significance. Algorithms developed to predict the effect of missense changes on protein structure and function are either unavailable or do not agree on the potential impact of this missense change (SIFT: "Tolerated"; PolyPhen-2: "Possibly Damaging"; Align-GVGD: "Class C0"). This variant has not been reported in the literature in individuals affected with A2ML1-related conditions. This variant is not present in population databases (gnomAD no frequency). This sequence change replaces glutamic acid, which is acidic and polar, with lysine, which is basic and polar, at codon 57 of the A2ML1 protein (p.Glu57Lys).

NM_144670.6(A2ML1):c.169G>A (p.Glu57Lys)

Genes: A2ML1-AS1 (A2ML1 antisense RNA 1; minus strand), A2ML1 (alpha-2-macroglobulin like 1; plus strand). Cytogenetic location: 12p13.31.
Variant type: single nucleotide variant.
Coding change: c.169G>A on transcript NM_144670.6 (MANE Select); coding-DNA position 169, G replaced by A.
Protein change: p.Glu57Lys; replaces glutamic acid 57 with lysine.
Molecular consequence: missense variant.
Genome position (GRCh38, 1-based): chr12:8,823,288, G>A. VCF-style: chr12-8823288-G-A. GRCh37 (hg19) VCF-style: chr12-8975884-G-A.
Other names: c.169G>A (NM_144670.3); short protein forms E57K.
Identifiers: ClinVar variation 1930187 (VCV001930187.6), dbSNP rs2539172014, ClinGen allele CA383818096.